The following is an entry in ClinVar:

NM_014319.5(LEMD3):c.204_206del (p.Asn70del)

Gene: LEMD3 (LEM domain containing 3; plus strand). Cytogenetic location: 12q14.3.
Variant type: Deletion.
Coding change: c.204_206del on transcript NM_014319.5 (MANE Select); coding-DNA positions 204 to 206, 3 bases deleted (CAA; older notation c.204_206delCAA).
Protein change: p.Asn70del; deletes asparagine 70.
Molecular consequence: inframe deletion.
Genome position (GRCh38, 1-based): chr12:65,169,800-65,169,802, CAA deleted; deleting any 3 consecutive bases within chr12:65,169,798-65,169,802 gives the same sequence; the c. name uses the placement nearest the transcript's 3' end. VCF-style (leftmost placement, unchanged base first): chr12-65169797-TAAC-T. GRCh37 (hg19) VCF-style: chr12-65563577-TAAC-T.
Other names: c.204_206del, p.Asn70del (NM_001167614.2); short protein forms N70del.
Identifiers: ClinVar variation 1957979 (VCV001957979.5), dbSNP rs767735305, ClinGen allele CA6670693.

ClinVar aggregate classification (germline): Uncertain significance (1 of 4 stars; one submission).

Submission:

Labcorp Genetics (formerly Invitae), Labcorp
Classification: Uncertain significance. Last evaluated: 2025-09-13. Review status: criteria provided, single submitter. Criteria: Invitae Variant Classification Sherloc (09022015). Collection method: clinical testing. Allele origin: germline.
Comment: This variant, c.204_206del, results in the deletion of 1 amino acid(s) of the LEMD3 protein (p.Asn70del), but otherwise preserves the integrity of the reading frame. This variant is present in population databases (rs767735305, gnomAD 0.003%). This variant has not been reported in the literature in individuals affected with LEMD3-related conditions. ClinVar contains an entry for this variant (Variation ID: 1957979). Experimental studies and prediction algorithms are not available or were not evaluated, and the functional significance of this variant is currently unknown. In summary, the available evidence is currently insufficient to determine the role of this variant in disease. Therefore, it has been classified as a Variant of Uncertain Significance.